The following is an entry in ClinVar:

NM_000334.4(SCN4A):c.1777C>G (p.Leu593Val)

Gene: SCN4A (sodium voltage-gated channel alpha subunit 4; minus strand). Cytogenetic location: 17q23.3.
Variant type: single nucleotide variant.
Coding change: c.1777C>G on transcript NM_000334.4 (MANE Select); coding-DNA position 1777, C replaced by G.
Protein change: p.Leu593Val; replaces leucine 593 with valine.
Molecular consequence: missense variant.
Genome position (GRCh38, 1-based): chr17:63,961,261, G>C on the plus strand (C>G on the coding strand, the complement: SCN4A is on the minus strand). VCF-style: chr17-63961261-G-C. GRCh37 (hg19) VCF-style: chr17-62038621-G-C.
Other names: short protein forms L593V.
Identifiers: ClinVar variation 4747005 (VCV004747005.1).

ClinVar aggregate classification (germline): Uncertain significance (1 of 4 stars; one submission).

Conditions:
Hyperkalemic periodic paralysis. Also called: Familial hyperkalemic periodic paralysis; Gamstorp disease. Identifiers: Orphanet 682, MedGen C0238357, MONDO:0008224, OMIM 170500, HP:0007215.

Submission:

Labcorp Genetics (formerly Invitae), Labcorp
Classification: Uncertain significance for Hyperkalemic periodic paralysis. Last evaluated: 2025-04-14. Review status: criteria provided, single submitter. Criteria: Invitae Variant Classification Sherloc (09022015). Collection method: clinical testing. Allele origin: germline.
Comment: This sequence change replaces leucine, which is neutral and non-polar, with valine, which is neutral and non-polar, at codon 593 of the SCN4A protein (p.Leu593Val). This variant is not present in population databases (gnomAD no frequency). This variant has not been reported in the literature in individuals affected with SCN4A-related conditions. Invitae Evidence Modeling of protein sequence and biophysical properties (such as structural, functional, and spatial information, amino acid conservation, physicochemical variation, residue mobility, and thermodynamic stability) indicates that this missense variant is not expected to disrupt SCN4A protein function with a negative predictive value of 95%. In summary, the available evidence is currently insufficient to determine the role of this variant in disease. Therefore, it has been classified as a Variant of Uncertain Significance.